The following is an entry in ClinVar:

ClinVar aggregate classification (germline): Uncertain significance. Review status: criteria provided, multiple submitters, no conflicts (2 of 4 stars). 8 submissions from 7 submitters: Uncertain significance (7). 1 of the submissions does not count toward it. Last evaluated 2026-08-18.

Conditions:
McKusick-Kaufman syndrome (MKKS). Also called: HYDROMETROCOLPOS SYNDROME; HYDROMETROCOLPOS, POSTAXIAL POLYDACTYLY, AND CONGENITAL HEART MALFORMATION. Identifiers: Orphanet 2473, MedGen C0948368, MONDO:0009367, OMIM 236700.
Bardet-Biedl syndrome (BBS). Identifiers: Orphanet 110, MedGen C0752166, MONDO:0015229.
Inborn genetic diseases. Identifiers: MedGen C0950123, MeSH D030342.
Retinal dystrophy. Also called: Inherited retinal dystrophy. Identifiers: Orphanet 71862, MedGen C0854723, MeSH D058499, MONDO:0019118, HP:0000556.
MKKS-related disorder. Also called: MKKS-related condition; MKKS-related disorders.
Bardet-Biedl syndrome 6 (BBS6). Identifiers: Orphanet 110, MedGen C1858054, MONDO:0011523, OMIM 605231.

Allele frequency attached by ClinVar (database versions not stated): TOPMed 0.00003.
gnomAD v4.1: 88 of 1,613,996 alleles (0.0055%); highest among the groups gnomAD compares: Non-Finnish European, 0.007%; no homozygotes.

Submissions (8):

PreventionGenetics, part of Exact Sciences
Classification: Uncertain significance for MKKS-related condition. Last evaluated: 2026-08-18. Review status: criteria provided, single submitter. Criteria: ACMG Guidelines, 2015. Collection method: clinical testing. Allele origin: germline.
Comment: The MKKS c.1307A>G variant is predicted to result in the amino acid substitution p.Asp436Gly. To our knowledge, this variant has not been reported in the literature. This variant is reported in 0.0070% of alleles in individuals of European (non-Finnish) descent in gnomAD. At this time, the clinical significance of this variant is uncertain due to the absence of conclusive functional and genetic evidence.

GeneDx
Classification: Uncertain significance. Last evaluated: 2023-06-14. Review status: criteria provided, single submitter. Criteria: GeneDx Variant Classification Process June 2021. Collection method: clinical testing. Allele origin: germline. Affected: yes.
Comment: In silico analysis supports that this missense variant does not alter protein structure/function; Has not been previously published as pathogenic or benign to our knowledge

Labcorp Genetics (formerly Invitae), Labcorp
Classification: Uncertain significance for McKusick-Kaufman syndrome; Bardet-Biedl syndrome. Last evaluated: 2022-06-18. Review status: criteria provided, single submitter. Criteria: Invitae Variant Classification Sherloc (09022015). Collection method: clinical testing. Allele origin: germline.
Comment: This sequence change replaces aspartic acid, which is acidic and polar, with glycine, which is neutral and non-polar, at codon 436 of the MKKS protein (p.Asp436Gly). This variant is present in population databases (rs746696111, gnomAD 0.007%). This variant has not been reported in the literature in individuals affected with MKKS-related conditions. ClinVar contains an entry for this variant (Variation ID: 897429). Algorithms developed to predict the effect of missense changes on protein structure and function output the following: SIFT: "Tolerated"; PolyPhen-2: "Benign"; Align-GVGD: "Class C0". The glycine amino acid residue is found in multiple mammalian species, which suggests that this missense change does not adversely affect protein function. Algorithms developed to predict the effect of sequence changes on RNA splicing suggest that this variant may create or strengthen a splice site. In summary, the available evidence is currently insufficient to determine the role of this variant in disease. Therefore, it has been classified as a Variant of Uncertain Significance.

Ambry Genetics
Classification: Uncertain significance for Inborn genetic diseases. Last evaluated: 2021-09-27. Review status: criteria provided, single submitter. Criteria: Ambry Variant Classification Scheme 2023. Collection method: clinical testing. Allele origin: germline.

Fulgent Genetics
Classification: Uncertain significance for McKusick-Kaufman syndrome; Bardet-Biedl syndrome 6. Last evaluated: 2021-08-12. Review status: criteria provided, single submitter. Criteria: ACMG Guidelines, 2015. Collection method: clinical testing. Allele origin: unknown.

Illumina Laboratory Services, Illumina
Classification: Uncertain significance for McKusick-Kaufman syndrome. Last evaluated: 2018-03-02. Review status: criteria provided, single submitter. Criteria: ICSL Variant Classification Criteria 13 December 2019. Collection method: clinical testing. Allele origin: germline.

Illumina Laboratory Services, Illumina
Classification: Uncertain significance for Bardet-Biedl syndrome 6. Last evaluated: 2018-03-02. Review status: criteria provided, single submitter. Criteria: ICSL Variant Classification Criteria 13 December 2019. Collection method: clinical testing. Allele origin: germline.

Institute of Human Genetics, Univ. Regensburg, Univ. Regensburg
Classification: Uncertain significance for Retinal dystrophy. Last evaluated: 2022-01-01. Review status: no assertion criteria provided. Criteria: ACMG Guidelines, 2015. Collection method: clinical testing. Allele origin: germline. Affected: yes. Not counted in ClinVar's aggregate classification.

NM_170784.3(MKKS):c.1307A>G (p.Asp436Gly)

Gene: MKKS (MKKS centrosomal shuttling protein; minus strand). Cytogenetic location: 20p12.2.
Variant type: single nucleotide variant.
Coding change: c.1307A>G on transcript NM_170784.3 (MANE Select); coding-DNA position 1307, A replaced by G.
Protein change: p.Asp436Gly; replaces aspartic acid 436 with glycine.
Molecular consequence: missense variant. On other transcripts: non-coding transcript variant (1).
Genome position (GRCh38, 1-based): chr20:10,405,653, T>C on the plus strand (A>G on the coding strand, the complement: MKKS is on the minus strand). VCF-style: chr20-10405653-T-C. GRCh37 (hg19) VCF-style: chr20-10386301-T-C.
Other names: c.1307A>G, p.Asp436Gly (NM_018848.3); c.1307A>G (NM_018848.2); short protein forms D436G.
Identifiers: ClinVar variation 897429 (VCV000897429.19), dbSNP rs746696111, ClinGen allele CA9763498.